The following is an entry in ClinVar:

ClinVar aggregate classification (germline): Uncertain significance (1 of 4 stars; one submission).

gnomAD v4.1: 7 of 1,614,158 alleles (0.00043%); highest among the groups gnomAD compares: African/African-American, 0.0053%; no homozygotes.

Submission:

Mayo Clinic Laboratories, Mayo Clinic
Classification: Uncertain significance. Last evaluated: 2025-08-28. Review status: criteria provided, single submitter. Criteria: ACMG Guidelines, 2015. Collection method: clinical testing. Allele origin: germline. Observed: 1 variant allele.
Comment: BP4, PM2_supporting

NM_015506.3(MMACHC):c.265C>A (p.Arg89Ser)

Gene: MMACHC (metabolism of cobalamin associated C; plus strand). Cytogenetic location: 1p34.1.
Variant type: single nucleotide variant.
Coding change: c.265C>A on transcript NM_015506.3 (MANE Select); coding-DNA position 265, C replaced by A.
Protein change: p.Arg89Ser; replaces arginine 89 with serine.
Molecular consequence: missense variant.
Genome position (GRCh38, 1-based): chr1:45,507,539, C>A. VCF-style: chr1-45507539-C-A. GRCh37 (hg19) VCF-style: chr1-45973211-C-A.
Other names: p.Arg89Ser; c.94C>A, p.Arg32Ser (NM_001330540.2); short protein forms R89S, R32S.
Identifiers: ClinVar variation 4541107 (VCV004541107.1).